The following is an entry in ClinVar:

ClinVar aggregate classification (germline): Likely pathogenic (1 of 4 stars; one submission).

Conditions:
Galactosemia. Also called: Galactose intolerance. Identifiers: Orphanet 352, MedGen C0016952, MONDO:0018116, HP:0004919. Disease mechanism: loss of function.

Submission:

Natera, Inc.
Classification: Likely pathogenic for Galactosemia. Last evaluated: 2025-04-27. Review status: criteria provided, single submitter. Criteria: Natera Variant Classification Schema (03/2026). Collection method: clinical testing. Allele origin: germline.
Comment: The c.991_992delAC variant in GALT is a frameshift variant predicted to shift the reading frame beginning at codon 331 and leads to a stop codon 21 codons downstream. This variant is expected to result in nonsense mediated decay, truncation, or a dysfunctional protein product. This variant is rare in the general population with a frequency below the threshold expected for the associated phenotype(s). Given the available evidence, this variant is classified as Likely Pathogenic.

NM_000155.4(GALT):c.991_992del (p.Thr331fs)

Gene: GALT (galactose-1-phosphate uridylyltransferase; plus strand). Cytogenetic location: 9p13.3.
Variant type: Deletion.
Coding change: c.991_992del on transcript NM_000155.4 (MANE Select); coding-DNA positions 991 to 992, 2 bases deleted (AC; older notation c.991_992delAC).
Protein change: p.Thr331fs; shifts the reading frame from threonine 331.
Molecular consequence: frameshift variant.
Genome position (GRCh38, 1-based): chr9:34,649,496-34,649,497, AC deleted; deleting any 2 consecutive bases within chr9:34,649,495-34,649,497 gives the same sequence; the c. name uses the placement nearest the transcript's 3' end. VCF-style (leftmost placement, unchanged base first): chr9-34649494-CCA-C. GRCh37 (hg19) VCF-style: chr9-34649491-CCA-C.
Other names: c.664_665del, p.Thr222fs (NM_001258332.2); short protein forms T222fs, T331fs.
Identifiers: ClinVar variation 4817651 (VCV004817651.1).
Genomic context (GRCh38, chr9:34,649,494, plus strand): 5'-GGGCCAACTGGAACCATTGGCAGCTGCACGCTCATTACTACCCTCCGCTCCTGCGCTCTG[CCA>C]CTGTCCGGAAATTCATGGTTGGCTACGAAATGCTTGCTCAGGCTCAGAGGGACCTCACCC-3'